The following is an entry in ClinVar:

NM_000122.2(ERCC3):c.324C>T (p.Cys108=)

Gene: ERCC3 (ERCC excision repair 3, TFIIH core complex helicase subunit; minus strand). Cytogenetic location: 2q14.3.
Variant type: single nucleotide variant.
Coding change: c.324C>T on transcript NM_000122.2 (MANE Select); coding-DNA position 324, C replaced by T.
Protein change: p.Cys108=; no amino-acid change (cysteine 108 retained).
Molecular consequence: synonymous variant.
Genome position (GRCh38, 1-based): chr2:127,292,757, G>A on the plus strand (C>T on the coding strand, the complement: ERCC3 is on the minus strand). VCF-style: chr2-127292757-G-A. GRCh37 (hg19) VCF-style: chr2-128050333-G-A.
Other names: c.132C>T, p.Cys44= (NM_001303416.2, NM_001303418.2).
Identifiers: ClinVar variation 4874320 (VCV004874320.2).

ClinVar aggregate classification (germline): Likely benign (1 of 4 stars; one submission).

gnomAD v4.1: 2 of 1,613,594 alleles (0.00012%); highest among the groups gnomAD compares: African/African-American, 0.0013%; no homozygotes.

Submission:

CeGaT Center for Human Genetics Tuebingen
Classification: Likely benign. Last evaluated: 2026-06-01. Review status: criteria provided, single submitter. Criteria: CeGaT Center For Human Genetics Tuebingen Variant Classification Criteria Version 2. Collection method: clinical testing. Allele origin: germline. Affected: yes. Observed: 1 variant allele.
Comment: ERCC3: BP4, BP7